The following is an entry in ClinVar:

ClinVar aggregate classification (germline): Uncertain significance. Review status: criteria provided, multiple submitters, no conflicts (2 of 4 stars). 2 submissions from 2 submitters: Uncertain significance (2). Last evaluated 2023-10-17.

Submissions (2):

Labcorp Genetics (formerly Invitae), Labcorp
Classification: Uncertain significance. Last evaluated: 2023-10-17. Review status: criteria provided, single submitter. Criteria: Invitae Variant Classification Sherloc (09022015). Collection method: clinical testing. Allele origin: germline.
Comment: This sequence change replaces valine, which is neutral and non-polar, with methionine, which is neutral and non-polar, at codon 140 of the OPA1 protein (p.Val140Met). This variant is not present in population databases (gnomAD no frequency). This variant has not been reported in the literature in individuals affected with OPA1-related conditions. ClinVar contains an entry for this variant (Variation ID: 2504516). Advanced modeling of protein sequence and biophysical properties (such as structural, functional, and spatial information, amino acid conservation, physicochemical variation, residue mobility, and thermodynamic stability) performed at Invitae indicates that this missense variant is not expected to disrupt OPA1 protein function. In summary, the available evidence is currently insufficient to determine the role of this variant in disease. Therefore, it has been classified as a Variant of Uncertain Significance.

GeneDx
Classification: Uncertain significance. Last evaluated: 2022-12-05. Review status: criteria provided, single submitter. Criteria: GeneDx Variant Classification Process June 2021. Collection method: clinical testing. Allele origin: germline. Affected: yes.
Comment: Not observed at significant frequency in large population cohorts (gnomAD); In silico analysis supports that this missense variant has a deleterious effect on protein structure/function; Has not been previously published as pathogenic or benign to our knowledge

NM_130837.3(OPA1):c.418G>A (p.Val140Met)

Gene: OPA1 (OPA1 mitochondrial dynamin like GTPase; plus strand). Cytogenetic location: 3q29.
Variant type: single nucleotide variant.
Coding change: c.418G>A on transcript NM_130837.3 (MANE Select); coding-DNA position 418, G replaced by A.
Protein change: p.Val140Met; replaces valine 140 with methionine.
Molecular consequence: missense variant.
Genome position (GRCh38, 1-based): chr3:193,615,740, G>A. VCF-style: chr3-193615740-G-A. GRCh37 (hg19) VCF-style: chr3-193333529-G-A.
Other names: c.46G>A, p.Val16Met (NM_001354663.2, NM_001354664.2); c.418G>A, p.Val140Met (NM_015560.3, NM_130831.3, NM_130832.3 and 4 more transcripts); short protein forms V140M, V16M.
Identifiers: ClinVar variation 2504516 (VCV002504516.4), dbSNP rs948720639, ClinGen allele CA90567924.